The following is an entry in ClinVar:

NM_020987.5(ANK3):c.6955G>A (p.Asp2319Asn)

Gene: ANK3 (ankyrin 3; minus strand). Cytogenetic location: 10q21.2.
Variant type: single nucleotide variant.
Coding change: c.6955G>A on transcript NM_020987.5 (MANE Select); coding-DNA position 6955, G replaced by A.
Protein change: p.Asp2319Asn; replaces aspartic acid 2319 with asparagine.
Molecular consequence: missense variant. On other transcripts: intron variant (4).
Genome position (GRCh38, 1-based): chr10:60,073,926, C>T on the plus strand (G>A on the coding strand, the complement: ANK3 is on the minus strand). VCF-style: chr10-60073926-C-T. GRCh37 (hg19) VCF-style: chr10-61833684-C-T.
Other names: c.4388-5917G>A (NM_001204403.2); c.4409-5917G>A (NM_001204404.2); c.4406-5917G>A (NM_001320874.2); c.1808-5917G>A (NM_001149.4); short protein forms D2319N.
Identifiers: ClinVar variation 210169 (VCV000210169.21), dbSNP rs140463162, ClinGen allele CA207628.
Genomic context (GRCh38, chr10:60,073,926, plus strand): 5'-GGTTACCTTTTTCGATGTGGACTTCTATTATACGCTCCAGTTTGGGTTTCATTTGGTTGT[C>T]CTTCTCTGCATGCTGGGCTGAGGTTTCAGCAGCAGACTTGTGAACATCTGGAGACACTGC-3'
Protein context (NP_066267.2, residues 2309-2329): AETSAQHAEK[Asp2319Asn]NQMKPKLERI

ClinVar aggregate classification (germline): Benign/Likely benign. Review status: criteria provided, multiple submitters, no conflicts (2 of 4 stars). 8 submissions from 8 submitters: Benign (1); Likely benign (4). 3 of the submissions do not count toward it. Last evaluated 2026-08-01.

Conditions:
ANK3-related disorder. Also called: ANK3-related condition.

Allele frequency attached by ClinVar (database versions not stated): 1000 Genomes Project 0.00140; 1000 Genomes Project 30x 0.00141; TOPMed 0.00201; gnomAD exomes 0.00327 and 0.00331; gnomAD 0.00330 and 0.00314; ESP Exome Variant Server 0.00231; ExAC 0.00277.
gnomAD v4.1: 5,285 of 1,613,922 alleles (0.33%); highest among the groups gnomAD compares: Non-Finnish European, 0.32%; 25 homozygotes.

Submissions (8):

CeGaT Center for Human Genetics Tuebingen
Classification: Likely benign. Last evaluated: 2026-08-01. Review status: criteria provided, single submitter. Criteria: CeGaT Center For Human Genetics Tuebingen Variant Classification Criteria Version 2. Collection method: clinical testing. Allele origin: germline. Affected: yes. Observed: 1 variant allele.
Comment: ANK3: BS2

Labcorp Genetics (formerly Invitae), Labcorp
Classification: Benign. Last evaluated: 2026-01-12. Review status: criteria provided, single submitter. Criteria: Invitae Variant Classification Sherloc (09022015). Collection method: clinical testing. Allele origin: germline.

Center for Pediatric Genomic Medicine, Children's Mercy Hospital and Clinics
Classification: Likely benign. Last evaluated: 2017-09-11. Review status: criteria provided, single submitter. Criteria: ACMG Guidelines, 2015. Collection method: clinical testing. Allele origin: germline.

Genetic Services Laboratory, University of Chicago
Classification: Likely benign. Last evaluated: 2016-08-12. Review status: criteria provided, single submitter. Criteria: ACMG Guidelines, 2015. Collection method: clinical testing. Allele origin: germline. Affected: no.

Breakthrough Genomics
Classification: Likely benign. Review status: criteria provided, single submitter. Criteria: ACMG Guidelines, 2015. Collection method: not provided. Allele origin: germline. Inheritance: Autosomal recessive inheritance. Affected: yes.

PreventionGenetics, part of Exact Sciences
Classification: Benign for ANK3-related condition. Last evaluated: 2019-06-06. Review status: no assertion criteria provided. Collection method: clinical testing. Allele origin: germline. Not counted in ClinVar's aggregate classification.
Comment: This variant is classified as benign based on ACMG/AMP sequence variant interpretation guidelines (Richards et al. 2015 PMID: 25741868, with internal and published modifications).

Clinical Genetics DNA and cytogenetics Diagnostics Lab, Erasmus MC, Erasmus Medical Center
Classification: Likely benign. Review status: no assertion criteria provided. Collection method: clinical testing. Allele origin: germline. Affected: yes. Study: VKGL Data-share Consensus. Not counted in ClinVar's aggregate classification.

Genome Diagnostics Laboratory, University Medical Center Utrecht
Classification: Likely benign. Review status: no assertion criteria provided. Collection method: clinical testing. Allele origin: germline. Affected: yes. Study: VKGL Data-share Consensus. Not counted in ClinVar's aggregate classification.